The following is an entry in ClinVar:

ClinVar aggregate classification (germline): Uncertain significance (1 of 4 stars; one submission).

gnomAD v4.1: 8 of 1,613,952 alleles (0.0005%); highest among the groups gnomAD compares: Admixed American, 0.0083%; no homozygotes.

Submission:

CeGaT Center for Human Genetics Tuebingen
Classification: Uncertain significance. Last evaluated: 2026-07-01. Review status: criteria provided, single submitter. Criteria: CeGaT Center For Human Genetics Tuebingen Variant Classification Criteria Version 2. Collection method: clinical testing. Allele origin: germline. Affected: yes. Observed: 1 variant allele.
Comment: RREB1: PM2

NM_001003699.4(RREB1):c.169C>G (p.Gln57Glu)

Gene: RREB1 (ras responsive element binding protein 1; plus strand). Cytogenetic location: 6p24.3.
Variant type: single nucleotide variant.
Coding change: c.169C>G on transcript NM_001003699.4 (MANE Select); coding-DNA position 169, C replaced by G.
Protein change: p.Gln57Glu; replaces glutamine 57 with glutamic acid.
Molecular consequence: missense variant.
Genome position (GRCh38, 1-based): chr6:7,182,080, C>G. VCF-style: chr6-7182080-C-G. GRCh37 (hg19) VCF-style: chr6-7182313-C-G.
Other names: c.169C>G, p.Gln57Glu (NM_001003698.4, NM_001003700.2, NM_001168344.2); short protein forms Q57E.
Identifiers: ClinVar variation 5038726 (VCV005038726.1).